The following is an entry in ClinVar:

ClinVar aggregate classification (germline): Uncertain significance. Review status: criteria provided, multiple submitters, no conflicts (2 of 4 stars). 3 submissions from 3 submitters: Uncertain significance (3). Last evaluated 2025-10-26.

Conditions:
Inborn genetic diseases. Identifiers: MedGen C0950123, MeSH D030342.

Allele frequency attached by ClinVar (database versions not stated): gnomAD 0.00003 and 0.00004; gnomAD exomes 0.00003 and 0.00004; TOPMed 0.00003; ExAC 0.00005.
gnomAD v4.1: 68 of 1,613,614 alleles (0.0042%); highest among the groups gnomAD compares: Middle Eastern, 0.18%; no homozygotes.

Submissions (3):

Labcorp Genetics (formerly Invitae), Labcorp
Classification: Uncertain significance. Last evaluated: 2025-10-26. Review status: criteria provided, single submitter. Criteria: Invitae Variant Classification Sherloc (09022015). Collection method: clinical testing. Allele origin: germline.
Comment: This sequence change replaces serine, which is neutral and polar, with leucine, which is neutral and non-polar, at codon 827 of the AP3D1 protein (p.Ser827Leu). This variant is present in population databases (rs201113408, gnomAD 0.006%). This variant has not been reported in the literature in individuals affected with AP3D1-related conditions. ClinVar contains an entry for this variant (Variation ID: 1437503). An algorithm developed to predict the effect of missense changes on protein structure and function outputs the following: PolyPhen-2: "Benign". The leucine amino acid residue is found in multiple mammalian species, which suggests that this missense change does not adversely affect protein function. In summary, the available evidence is currently insufficient to determine the role of this variant in disease. Therefore, it has been classified as a Variant of Uncertain Significance.

Ambry Genetics
Classification: Uncertain significance for Inborn genetic diseases. Last evaluated: 2022-01-26. Review status: criteria provided, single submitter. Criteria: Ambry Variant Classification Scheme 2023. Collection method: clinical testing. Allele origin: germline.

Breakthrough Genomics
Classification: Uncertain significance. Review status: criteria provided, single submitter. Criteria: ACMG Guidelines, 2015. Collection method: not provided. Allele origin: germline. Inheritance: Autosomal recessive inheritance. Affected: yes.

NM_001261826.3(AP3D1):c.2480C>T (p.Ser827Leu)

Gene: AP3D1 (adaptor related protein complex 3 subunit delta 1; minus strand). Cytogenetic location: 19p13.3.
Variant type: single nucleotide variant.
Coding change: c.2480C>T on transcript NM_001261826.3 (MANE Select); coding-DNA position 2480, C replaced by T.
Protein change: p.Ser827Leu; replaces serine 827 with leucine.
Molecular consequence: missense variant.
Genome position (GRCh38, 1-based): chr19:2,114,246, G>A on the plus strand (C>T on the coding strand, the complement: AP3D1 is on the minus strand). VCF-style: chr19-2114246-G-A. GRCh37 (hg19) VCF-style: chr19-2114245-G-A.
Other names: c.2480C>T, p.Ser827Leu (NM_001374799.1, NM_003938.8); c.2480C>T (NM_003938.5); short protein forms S827L.
Identifiers: ClinVar variation 1437503 (VCV001437503.8), dbSNP rs201113408, ClinGen allele CA9058838.